The following is an entry in ClinVar:

ClinVar aggregate classification (germline): Benign (1 of 4 stars; one submission).

Allele frequency attached by ClinVar (database versions not stated): 1000 Genomes Project 30x 0.00141; ESP Exome Variant Server 0.00177; 1000 Genomes Project 0.00180.
gnomAD v4.1: 6,013 of 1,595,524 alleles (0.38%); highest among the groups gnomAD compares: Non-Finnish European, 0.16%; 119 homozygotes.

Submission:

CeGaT Center for Human Genetics Tuebingen
Classification: Benign. Last evaluated: 2026-04-01. Review status: criteria provided, single submitter. Criteria: CeGaT Center For Human Genetics Tuebingen Variant Classification Criteria Version 2. Collection method: clinical testing. Allele origin: germline. Affected: yes. Observed: 3 variant alleles.
Comment: AKNA: BS1, BS2

NM_001317950.2(AKNA):c.1611G>C (p.Ser537=)

Gene: AKNA (AT-hook transcription factor; minus strand). Cytogenetic location: 9q32.
Variant type: single nucleotide variant.
Coding change: c.1611G>C on transcript NM_001317950.2 (MANE Select); coding-DNA position 1611, G replaced by C.
Protein change: p.Ser537=; no amino-acid change (serine 537 retained).
Molecular consequence: synonymous variant.
Genome position (GRCh38, 1-based): chr9:114,367,660, C>G on the plus strand (G>C on the coding strand, the complement: AKNA is on the minus strand). VCF-style: chr9-114367660-C-G. GRCh37 (hg19) VCF-style: chr9-117129940-C-G.
Other names: c.1254G>C, p.Ser418= (NM_001317952.1); c.1611G>C, p.Ser537= (NM_030767.5).
Identifiers: ClinVar variation 2673187 (VCV002673187.23), dbSNP rs146163104, ClinGen allele CA5205084.
Genomic context (GRCh38, chr9:114,367,660, plus strand): 5'-CTGGTCCTCAGAGATGTCCCGGTTCTCCGGAAGCCACCCCAGGGTGGGCATGCTGGTAAG[C>G]GAGGAGGGGCTCAAGTCTCCTCGAGCTGATGGCCACCCTGGAATACACAACTGCTGAAAG-3'
Protein context (NP_001304879.1, residues 527-547): PSARGDLSPS[Ser537=]LTSMPTLGWL